The following is an entry in ClinVar:

ClinVar aggregate classification (germline): Uncertain significance (1 of 4 stars; one submission).

Conditions:
Intellectual developmental disorder, X-linked, syndromic, Turner type. Also called: Intellectual disability, X-linked syndromic, Turner type; X-linked intellectual disability, Turner type. Identifiers: Orphanet 3056, Orphanet 85328, MedGen C2678046, MONDO:0010407, OMIM 309590.

Submission:

Pittsburgh Clinical Genomics Laboratory, University of Pittsburgh Medical Center
Classification: Uncertain significance for Intellectual developmental disorder, X-linked, syndromic, Turner type. Last evaluated: 2024-05-29. Review status: criteria provided, single submitter. Criteria: ACMG Guidelines, 2015. Collection method: clinical testing. Allele origin: germline. Inheritance: X-linked inheritance. Affected: yes.
Comment: This sequence variant is a single nucleotide substitution (A>T) at position 2413 of the coding sequence of the HUWE1 gene that results in an isoleucine to phenylalanine amino acid change at residue 805 of the HECT, UBA and WWE domain containing E3 ubiquitin protein ligase 1 protein. This novel variant is, to our knowledge, absent the published literature, ClinVar, and the gnomAD v4.1.0 population database (0 of approximately 1,207,000 alleles). Multiple bioinformatic tools provide conflicting predictions concerning this amino acid change, and the Ile805 residue at this position is highly conserved across the vertebrate species examined. Studies examining the functional consequence of this variant have not been published, to our knowledge. At this time, there is insufficient evidence to determine if this variant is pathogenic or benign. Therefore, we consider this a variant of uncertain significance. ACMG Criteria: PM2

NM_031407.7(HUWE1):c.2413A>T (p.Ile805Phe)

Gene: HUWE1 (HECT, UBA and WWE domain containing E3 ubiquitin protein ligase 1; minus strand). Cytogenetic location: Xp11.22.
Variant type: single nucleotide variant.
Coding change: c.2413A>T on transcript NM_031407.7 (MANE Select); coding-DNA position 2413, A replaced by T.
Protein change: p.Ile805Phe; replaces isoleucine 805 with phenylalanine.
Molecular consequence: missense variant.
Genome position (GRCh38, 1-based): chrX:53,607,606, T>A on the plus strand (A>T on the coding strand, the complement: HUWE1 is on the minus strand). VCF-style: chrX-53607606-T-A. GRCh37 (hg19) VCF-style: chrX-53634567-T-A.
Other names: short protein forms I805F.
Identifiers: ClinVar variation 3376450 (VCV003376450.1).